The following is an entry in ClinVar:

NC_000023.11:g.(?_31119227)_(31348635_31444480)dup

Gene: DMD (dystrophin; minus strand). Cytogenetic location: Xp21.2.
Variant type: Duplication.
Identifiers: ClinVar variation 982019 (VCV000982019.2).

ClinVar aggregate classification (germline): Uncertain significance (1 of 4 stars; one submission).

Submission:

Women's Health and Genetics/Laboratory Corporation of America, LabCorp
Classification: Uncertain significance. Last evaluated: 2022-10-20. Review status: criteria provided, single submitter. Criteria: LabCorp Variant Classification Summary - May 2015. Collection method: clinical testing. Allele origin: germline.
Comment: Variant summary: The variant identified by MLPA or other technology involves the duplication of exons 61-79 in the DMD gene, including the last exon. A presumed nomenclature of c.(9084+1_9085-1)_(*2692_?)dup has been designated for the purposes of this classification. It has been assumed that this is a tandem duplication in direct orientation (Richardson_GIM_2018, Newman_AJHG_2015). The variant was absent in 16120 control chromosomes (gnomAD, Structural Variants dataset). The available data on variant occurrences in the general population are insufficient to allow any conclusion about variant significance. This report does not provide unequivocal conclusions about association of the variant with Dystrophinopathies. To our knowledge, no experimental evidence demonstrating an impact on protein function has been reported. A ClinVar submitter (evaluation after 2014) cites the variant as uncertain significance. Based on the evidence outlined above, the variant was classified as uncertain significance.

Literature cited by the submitters: PubMed 35762097.